The following is an entry in ClinVar:

ClinVar aggregate classification (germline): Uncertain significance (1 of 4 stars; one submission).

Allele frequency attached by ClinVar (database versions not stated): gnomAD exomes 0.00003 and 0.00006; ExAC 0.00006; ESP Exome Variant Server 0.00015; gnomAD 0.00021 and 0.00023; TOPMed 0.00027.
gnomAD v4.1: 76 of 1,599,916 alleles (0.0048%); highest among the groups gnomAD compares: African/African-American, 0.086%; no homozygotes.

Submission:

Labcorp Genetics (formerly Invitae), Labcorp
Classification: Uncertain significance. Last evaluated: 2021-09-24. Review status: criteria provided, single submitter. Criteria: Invitae Variant Classification Sherloc (09022015). Collection method: clinical testing. Allele origin: germline.
Comment: This sequence change replaces lysine with glutamic acid at codon 2807 of the VPS13C protein (p.Lys2807Glu). The lysine residue is highly conserved and there is a small physicochemical difference between lysine and glutamic acid. This variant is present in population databases (rs375218754, ExAC 0.07%). This variant has not been reported in the literature in individuals with VPS13C-related conditions. Algorithms developed to predict the effect of missense changes on protein structure and function are either unavailable or do not agree on the potential impact of this missense change (SIFT: "Tolerated"; PolyPhen-2: "Probably Damaging"; Align-GVGD: "Class C0"). In summary, the available evidence is currently insufficient to determine the role of this variant in disease. Therefore, it has been classified as a Variant of Uncertain Significance.

NM_020821.3(VPS13C):c.8419A>G (p.Lys2807Glu)

Gene: VPS13C (vacuolar protein sorting 13 homolog C; minus strand). Cytogenetic location: 15q22.2.
Variant type: single nucleotide variant.
Coding change: c.8419A>G on transcript NM_020821.3 (MANE Select); coding-DNA position 8419, A replaced by G.
Protein change: p.Lys2807Glu; replaces lysine 2807 with glutamic acid.
Molecular consequence: missense variant.
Genome position (GRCh38, 1-based): chr15:61,915,659, T>C on the plus strand (A>G on the coding strand, the complement: VPS13C is on the minus strand). VCF-style: chr15-61915659-T-C. GRCh37 (hg19) VCF-style: chr15-62207858-T-C.
Other names: c.8419A>G, p.Lys2807Glu (NM_001018088.3); c.8290A>G, p.Lys2764Glu (NM_017684.5, NM_018080.4); short protein forms K2764E, K2807E.
Identifiers: ClinVar variation 1485724 (VCV001485724.5), dbSNP rs375218754, ClinGen allele CA7595007.